The following is an entry in ClinVar:

ClinVar aggregate classification (germline): Conflicting classifications of pathogenicity. Review status: criteria provided, conflicting classifications (1 of 4 stars). 8 submissions from 8 submitters: Uncertain significance (5); Likely benign (1). 2 of the submissions do not count toward it. Last evaluated 2025-03-11.

Conditions:
Cardiovascular phenotype. Identifiers: MedGen CN230736.
Early-onset myopathy with fatal cardiomyopathy (CMYO5). Also called: Salih Myopathy; CONGENITAL MYOPATHY 5 WITH CARDIOMYOPATHY. Identifiers: Orphanet 289377, MedGen C2673677, MONDO:0012714, OMIM 611705. Disease mechanism: loss of function.

Allele frequency attached by ClinVar (database versions not stated): ExAC 0.00005; gnomAD 0.00005 and 0.00006; gnomAD exomes 0.00005 and 0.00008; TOPMed 0.00008; ESP Exome Variant Server 0.00017.
gnomAD v4.1: 82 of 1,613,070 alleles (0.0051%); highest among the groups gnomAD compares: Admixed American, 0.0067%; no homozygotes.

Submissions (8):

Revvity Omics, Revvity
Classification: Uncertain significance. Last evaluated: 2025-03-11. Review status: criteria provided, single submitter. Criteria: ACMG Guidelines, 2015. Collection method: clinical testing. Allele origin: germline.

CeGaT Center for Human Genetics Tuebingen
Classification: Uncertain significance. Last evaluated: 2023-10-01. Review status: criteria provided, single submitter. Criteria: CeGaT Center For Human Genetics Tuebingen Variant Classification Criteria Version 2. Collection method: clinical testing. Allele origin: germline. Affected: yes. Observed: 2 variant alleles.
Comment: TTN: PM2, BP1, BP4

Baylor Genetics
Classification: Uncertain significance for Early-onset myopathy with fatal cardiomyopathy. Last evaluated: 2020-07-24. Review status: criteria provided, single submitter. Criteria: ACMG Guidelines, 2015. Collection method: clinical testing. Allele origin: unknown. Affected: yes.
Comment: This variant was determined to be of uncertain significance according to ACMG Guidelines, 2015 [PMID:25741868].

Ambry Genetics
Classification: Uncertain significance for Cardiovascular phenotype. Last evaluated: 2020-07-15. Review status: criteria provided, single submitter. Criteria: Ambry Variant Classification Scheme 2023. Collection method: clinical testing. Allele origin: germline.
Comment: The p.A24243T variant (also known as c.72727G>A), located in coding exon 183 of the TTN gene, results from a G to A substitution at nucleotide position 72727. The alanine at codon 24243 is replaced by threonine, an amino acid with similar properties. This amino acid position is poorly conserved in available vertebrate species. In addition, this alteration is predicted to be tolerated by in silico analysis. Since supporting evidence is limited at this time, the clinical significance of this alteration remains unclear.

GeneDx
Classification: Likely benign. Last evaluated: 2019-04-18. Review status: criteria provided, single submitter. Criteria: GeneDx Variant Classification Process June 2021. Collection method: clinical testing. Allele origin: germline. Affected: yes.

Eurofins Ntd Llc (ga)
Classification: Uncertain significance. Last evaluated: 2015-07-20. Review status: criteria provided, single submitter. Criteria: EGL Classification Definitions 2015. Collection method: clinical testing. Allele origin: germline. Observed: 1 variant allele, 1 heterozygote.

Clinical Genetics, Academic Medical Center
Classification: Uncertain significance. Review status: no assertion criteria provided. Collection method: clinical testing. Allele origin: germline. Affected: yes. Study: VKGL Data-share Consensus. Not counted in ClinVar's aggregate classification.

Laboratory of Diagnostic Genome Analysis, Leiden University Medical Center (LUMC)
Classification: Uncertain significance. Review status: no assertion criteria provided. Collection method: clinical testing. Allele origin: germline. Affected: yes. Study: VKGL Data-share Consensus. Not counted in ClinVar's aggregate classification.

NM_001267550.2(TTN):c.99922G>A (p.Ala33308Thr)

Genes: TTN (titin; minus strand), TTN-AS1 (TTN antisense RNA 1; plus strand), LOC126806420 (BRD4-independent group 4 enhancer GRCh37_chr2:179401104-179402303; plus strand). Cytogenetic location: 2q31.2.
Variant type: single nucleotide variant.
Coding change: c.99922G>A on transcript NM_001267550.2 (MANE Select); coding-DNA position 99922, G replaced by A.
Protein change: p.Ala33308Thr; replaces alanine 33308 with threonine.
Molecular consequence: missense variant.
Genome position (GRCh38, 1-based): chr2:178,537,187, C>T on the plus strand (G>A on the coding strand, the complement: TTN is on the minus strand). VCF-style: chr2-178537187-C-T. GRCh37 (hg19) VCF-style: chr2-179401914-C-T.
Other names: c.94999G>A, p.Ala31667Thr (NM_001256850.1); c.72727G>A, p.Ala24243Thr (NM_003319.4); c.92218G>A, p.Ala30740Thr (NM_133378.4); c.73102G>A, p.Ala24368Thr (NM_133432.3); c.73303G>A, p.Ala24435Thr (NM_133437.4); short protein forms A31667T, A33308T, A24243T, A24368T, A24435T, A30740T.
Identifiers: ClinVar variation 281829 (VCV000281829.55), dbSNP rs201226974, ClinGen allele CA1986108.